The following is an entry in ClinVar:

NM_206996.4(SPAG17):c.5736T>A (p.Phe1912Leu)

Gene: SPAG17 (sperm associated antigen 17; minus strand). Cytogenetic location: 1p12.
Variant type: single nucleotide variant.
Coding change: c.5736T>A on transcript NM_206996.4 (MANE Select); coding-DNA position 5736, T replaced by A.
Protein change: p.Phe1912Leu; replaces phenylalanine 1912 with leucine.
Molecular consequence: missense variant.
Genome position (GRCh38, 1-based): chr1:117,984,716, A>T on the plus strand (T>A on the coding strand, the complement: SPAG17 is on the minus strand). VCF-style: chr1-117984716-A-T. GRCh37 (hg19) VCF-style: chr1-118527339-A-T.
Other names: short protein forms F1912L.
Identifiers: ClinVar variation 1301837 (VCV001301837.5), dbSNP rs148831157, ClinGen allele CA1032998.

ClinVar aggregate classification (germline): Likely benign. Review status: criteria provided, multiple submitters, no conflicts (2 of 4 stars). 3 submissions from 3 submitters: Likely benign (2). 1 of the submissions does not count toward it. Last evaluated 2019-12-30.

Conditions:
SPAG17-related disorder. Also called: SPAG17-related condition.

Allele frequency attached by ClinVar (database versions not stated): gnomAD exomes 0.00047; ExAC 0.00054; 1000 Genomes Project 0.00160; gnomAD 0.00160 and 0.00170; TOPMed 0.00164; 1000 Genomes Project 30x 0.00172; ESP Exome Variant Server 0.00200.
gnomAD v4.1: 501 of 1,609,018 alleles (0.031%); highest among the groups gnomAD compares: African/African-American, 0.49%; 1 homozygote.

Submissions (3):

Dubai Health Genomic Medicine Center, Dubai Health
Classification: Likely benign. Last evaluated: 2019-12-30. Review status: criteria provided, single submitter. Criteria: ACMG Guidelines, 2015. Collection method: clinical testing. Allele origin: germline. Affected: yes.

Breakthrough Genomics
Classification: Likely benign. Review status: criteria provided, single submitter. Criteria: ACMG Guidelines, 2015. Collection method: not provided. Allele origin: germline. Inheritance: Autosomal recessive inheritance. Affected: yes.

PreventionGenetics, part of Exact Sciences
Classification: Likely benign for SPAG17-related condition. Last evaluated: 2019-07-11. Review status: no assertion criteria provided. Collection method: clinical testing. Allele origin: germline. Not counted in ClinVar's aggregate classification.
Comment: This variant is classified as likely benign based on ACMG/AMP sequence variant interpretation guidelines (Richards et al. 2015 PMID: 25741868, with internal and published modifications).